The following is an entry in ClinVar:

ClinVar aggregate classification (germline): Conflicting classifications of pathogenicity. Review status: criteria provided, conflicting classifications (1 of 4 stars). 2 submissions from 2 submitters: Uncertain significance (1); Likely benign (1). Last evaluated 2025-11-08.

Conditions:
Familial thoracic aortic aneurysm and aortic dissection (TAAD). Also called: Thoracic aortic aneurysms and dissections. Identifiers: Orphanet 91387, MedGen C4707243, MONDO:0019625.
Frontometaphyseal dysplasia (FMD1). Identifiers: Orphanet 1826, MedGen C0265293, MONDO:0015942.
Heterotopia, periventricular, X-linked dominant (PVNH1). Also called: PERIVENTRICULAR NODULAR HETEROTOPIA 1; X-linked periventricular heterotopia; PERIVENTRICULAR NODULAR HETEROTOPIA 4; HETEROTOPIA, PERIVENTRICULAR, 1. Identifiers: Orphanet 2149, Orphanet 82004, MedGen C1848213, MONDO:0010233, OMIM 300049.
Melnick-Needles syndrome (MNS). Also called: MELNICK-NEEDLES OSTEODYSPLASTY; OSTEODYSPLASTY OF MELNICK AND NEEDLES; Melnick-Needles Syndrome (FLNA-MNS). Identifiers: Orphanet 2484, MedGen C0025237, MONDO:0010650, OMIM 309350.
Oto-palato-digital syndrome, type II (OPD2). Also called: FACIOPALATOOSSEOUS SYNDROME; OPD II SYNDROME; Otopalatodigital Syndrome Type 2 (FLNA-OPD2); Otopalatodigital Syndrome, Type II. Identifiers: Orphanet 669, Orphanet 90652, MedGen C1844696, MONDO:0010571, OMIM 304120.

gnomAD v4.1: 16 of 1,211,345 alleles (0.0013%); highest among the groups gnomAD compares: Non-Finnish European, 0.0018%; no homozygotes.

Submissions (2):

Labcorp Genetics (formerly Invitae), Labcorp
Classification: Likely benign for Oto-palato-digital syndrome, type II; Heterotopia, periventricular, X-linked dominant; Frontometaphyseal dysplasia; Melnick-Needles syndrome. Last evaluated: 2025-11-08. Review status: criteria provided, single submitter. Criteria: Invitae Variant Classification Sherloc (09022015). Collection method: clinical testing. Allele origin: germline.

Ambry Genetics
Classification: Uncertain significance for Familial thoracic aortic aneurysm and aortic dissection. Last evaluated: 2024-10-18. Review status: criteria provided, single submitter. Criteria: Ambry Variant Classification Scheme 2023. Collection method: clinical testing. Allele origin: germline.
Comment: The p.P692L variant (also known as c.2075C>T), located in coding exon 13 of the FLNA gene, results from a C to T substitution at nucleotide position 2075. The proline at codon 692 is replaced by leucine, an amino acid with similar properties. This amino acid position is highly conserved in available vertebrate species. In addition, this alteration is predicted to be tolerated by in silico analysis. Based on data from gnomAD, the T allele has an overall frequency of <0.01% (8/181768) total alleles studied, with 3 hemizygote(s) observed. The highest observed frequency was <0.01% (8/81487) of European (non-Finnish) alleles. Based on the available evidence, the clinical significance of this variant remains unclear.

NM_001110556.2(FLNA):c.2075C>T (p.Pro692Leu)

Gene: FLNA (filamin A; minus strand). Cytogenetic location: Xq28.
Variant type: single nucleotide variant.
Coding change: c.2075C>T on transcript NM_001110556.2 (MANE Select); coding-DNA position 2075, C replaced by T.
Protein change: p.Pro692Leu; replaces proline 692 with leucine.
Molecular consequence: missense variant.
Genome position (GRCh38, 1-based): chrX:154,364,320, G>A on the plus strand (C>T on the coding strand, the complement: FLNA is on the minus strand). VCF-style: chrX-154364320-G-A. GRCh37 (hg19) VCF-style: chrX-153592688-G-A.
Other names: c.2075C>T, p.Pro692Leu (NM_001456.4); short protein forms P692L.
Identifiers: ClinVar variation 3515879 (VCV003515879.2).
Genomic context (GRCh38, chrX:154,364,320, plus strand): 5'-TGGACTTGGACCCGAAGTGGGGCCTTGCCACCGTGCTTGGCATCCACTGTGAACTCTGCT[G>A]GCTTGTTGACGGCCACACCTGTCTTCTCCAATCCAGGCCCACGTGCCTTCACCTAGCGGG-3'
Protein context (NP_001104026.1, residues 682-702): LEKTGVAVNK[Pro692Leu]AEFTVDAKHG